The following is an entry in ClinVar:

NM_024675.4(PALB2):c.3137T>C (p.Leu1046Pro)

Gene: PALB2 (partner and localizer of BRCA2; minus strand). Cytogenetic location: 16p12.2.
Variant type: single nucleotide variant.
Coding change: c.3137T>C on transcript NM_024675.4 (MANE Select); coding-DNA position 3137, T replaced by C.
Protein change: p.Leu1046Pro; replaces leucine 1046 with proline.
Molecular consequence: missense variant. On other transcripts: intron variant (3).
Genome position (GRCh38, 1-based): chr16:23,614,068, A>G on the plus strand (T>C on the coding strand, the complement: PALB2 is on the minus strand). VCF-style: chr16-23614068-A-G. GRCh37 (hg19) VCF-style: chr16-23625389-A-G.
Other names: c.2228+7294T>C (NM_001407308.1, NM_001407309.1); c.3113+7294T>C (NM_001407299.1); c.1349T>C, p.Leu450Pro (NM_001407313.1, NM_001407312.1); c.671T>C, p.Leu224Pro (NM_001407314.1); c.3077T>C, p.Leu1026Pro (NM_001407296.1); c.3065T>C, p.Leu1022Pro (NM_001407297.1); c.2975T>C, p.Leu992Pro (NM_001407298.1, NM_001407302.1); c.2858T>C, p.Leu953Pro (NM_001407300.1); and 3 more; short protein forms L1026P, L450P, L992P, L1046P, L697P, L751P, L224P, L1022P.
Identifiers: ClinVar variation 2585207 (VCV002585207.1), dbSNP rs1966636283, ClinGen allele CA395141383.
Genomic context (GRCh38, chr16:23,614,068, plus strand): 5'-TCAGAATAGGCTTTGTGACAGACTGAAGCTTGGTAAGAATCATCAATGTGCATCTTTTTC[A>G]GGAGTTGACCAGTTTTTAAATTCCTTAGATAACAAAAATAAATAAGCTGATCACATTCTT-3'
Protein context (NP_078951.2, residues 1036-1056): VIWNLKTGQL[Leu1046Pro]KKMHIDDSYQ

ClinVar aggregate classification (germline): Uncertain significance (1 of 4 stars; one submission).

Conditions:
Breast-ovarian cancer, familial, susceptibility to, 1 (BROVCA1). Also called: BRCA1 Hereditary Breast and Ovarian Cancer; OVARIAN CANCER, SUSCEPTIBILITY TO. Identifiers: Orphanet 145, MedGen C2676676, MONDO:0011450, OMIM 604370. Disease mechanism: loss of function.

Submission:

Neuberg Centre For Genomic Medicine, NCGM
Classification: Uncertain significance for Breast-ovarian cancer, familial, susceptibility to, 1. Review status: criteria provided, single submitter. Criteria: ACMG Guidelines, 2015. Collection method: clinical testing. Allele origin: germline. Inheritance: Autosomal dominant inheritance. Affected: yes.
Comment: The missense variant in c.3137T>C(p.Leu1046Pro) in PALB2 gene has not been reported previously as a pathogenic variant nor as a benign variant, to our knowledge. The amino acid Leu at position 1046 is changed to a Pro changing protein sequence and it might alter its composition and physico-chemical properties. The variant is predicted to be damaging by both SIFT and PolyPhen2. The residue is conserved across species. The amino acid change p.Leu1046Pro in PALB2 is predicted as conserved by GERP++ and PhyloP across 100 vertebrates. The p.Leu1046Pro variant is novel (not in any individuals) in gnomAD Exomes and 1000 Genomes. For these reasons, this variant has been classified as Uncertain Significance